The following is an entry in ClinVar:

ClinVar aggregate classification (germline): Pathogenic/Likely pathogenic. Review status: criteria provided, multiple submitters, no conflicts (2 of 4 stars). 3 submissions from 3 submitters: Pathogenic (2); Likely pathogenic (1). Last evaluated 2022-05-04.

Conditions:
Infantile neuroaxonal dystrophy (NBIA2A). Also called: NEURODEGENERATION WITH BRAIN IRON ACCUMULATION 2A; SEITELBERGER DISEASE; Infantile neuroaxonal dystrophy 1. Identifiers: Orphanet 35069, MedGen C0270724, MONDO:0024457, OMIM 256600.

Submissions (3):

Mendelics
Classification: Pathogenic for Infantile neuroaxonal dystrophy. Last evaluated: 2022-05-04. Review status: criteria provided, single submitter. Criteria: Mendelics Assertion Criteria 2019. Collection method: clinical testing. Allele origin: germline.

Labcorp Genetics (formerly Invitae), Labcorp
Classification: Pathogenic for Infantile neuroaxonal dystrophy. Last evaluated: 2022-03-22. Review status: criteria provided, single submitter. Criteria: Invitae Variant Classification Sherloc (09022015). Collection method: clinical testing. Allele origin: germline.
Comment: For these reasons, this variant has been classified as Pathogenic. This variant has not been reported in the literature in individuals affected with PLA2G6-related conditions. This variant is not present in population databases (gnomAD no frequency). This sequence change creates a premature translational stop signal (p.Cys146Trpfs*19) in the PLA2G6 gene. It is expected to result in an absent or disrupted protein product. Loss-of-function variants in PLA2G6 are known to be pathogenic (PMID: 16783378, 18570303, 18799783, 22213678).

Laboratorio de Genetica e Diagnostico Molecular, Hospital Israelita Albert Einstein
Classification: Likely pathogenic. Last evaluated: 2020-03-28. Review status: criteria provided, single submitter. Criteria: ACMG Guidelines, 2015. Collection method: clinical testing. Allele origin: germline. Affected: yes.
Comment: ACMG classification criteria: PVS1, PM2

Literature cited by the submitters: PubMed 16783378 (cited by Labcorp Genetics (formerly Invitae), Labcorp); PubMed 18570303 (cited by Labcorp Genetics (formerly Invitae), Labcorp); PubMed 18799783 (cited by Labcorp Genetics (formerly Invitae), Labcorp); PubMed 22213678 (cited by Labcorp Genetics (formerly Invitae), Labcorp).

NM_003560.4(PLA2G6):c.437dup (p.Cys146fs)

Gene: PLA2G6 (phospholipase A2 group VI; minus strand). Cytogenetic location: 22q13.1.
Variant type: Duplication.
Coding change: c.437dup on transcript NM_003560.4 (MANE Select); coding-DNA position 437, one base duplicated (G; older notation c.437dupG).
Protein change: p.Cys146fs; shifts the reading frame from cysteine 146.
Molecular consequence: frameshift variant. On other transcripts: 5 prime UTR variant (3).
Genome position (GRCh38, 1-based): chr22:38,143,277, C duplicated on the plus strand (G on the coding strand, the reverse complement: PLA2G6 is on the minus strand). VCF-style (leftmost placement, unchanged base first): chr22-38143276-G-GC. GRCh37 (hg19) VCF-style: chr22-38539283-G-GC.
Other names: c.437dup, p.Cys146fs (NM_001004426.3, NM_001199562.3, NM_001349864.2 and 2 more transcripts); c.-98dup (NM_001349867.2, NM_001349869.2); c.-54dup (NM_001349868.2); c.437dupG (NM_001004426.3); short protein forms C146fs.
Identifiers: ClinVar variation 1686079 (VCV001686079.8), dbSNP rs1216972369, ClinGen allele CA752963665.